The following is an entry in ClinVar:

ClinVar aggregate classification (germline): Pathogenic. Review status: reviewed by expert panel (3 of 4 stars). 5 submissions from 5 submitters: Pathogenic (1). 4 of the submissions do not count toward it. Last evaluated 2016-10-18.

Conditions:
Hereditary cancer-predisposing syndrome. Also called: Hereditary Cancer Syndrome; Neoplastic Syndromes, Hereditary; Hereditary neoplastic syndrome; Tumor predisposition. Identifiers: Orphanet 140162, MedGen C0027672, MeSH D009386, MONDO:0015356.
Hereditary breast ovarian cancer syndrome. Also called: Hereditary breast and ovarian cancer syndrome (HBOC); Breast and ovarian cancer; Hereditary breast and ovarian cancer syndrome; Hereditary breast and ovarian cancer; BRCA1- and BRCA2-Associated Hereditary Breast and Ovarian Cancer; Hereditary breast and/or ovarian cancer syndrome. Identifiers: Orphanet 145, MedGen C0677776, MeSH D061325, MONDO:0003582. Disease mechanism: loss of function.
Breast-ovarian cancer, familial, susceptibility to, 1 (BROVCA1). Also called: BRCA1 Hereditary Breast and Ovarian Cancer; OVARIAN CANCER, SUSCEPTIBILITY TO. Identifiers: Orphanet 145, MedGen C2676676, MONDO:0011450, OMIM 604370. Disease mechanism: loss of function.

Submissions (5):

Evidence-based Network for the Interpretation of Germline Mutant Alleles (ENIGMA)
Classification: Pathogenic for Breast-ovarian cancer, familial, susceptibility to, 1. Last evaluated: 2016-10-18. Review status: reviewed by expert panel. Criteria: ENIGMA BRCA1/2 Classification Criteria (2015). Collection method: curation. Allele origin: germline.
Comment: Variant allele predicted to encode a truncated non-functional protein.

Labcorp Genetics (formerly Invitae), Labcorp
Classification: Pathogenic for Hereditary breast ovarian cancer syndrome. Last evaluated: 2021-10-07. Review status: criteria provided, single submitter. Criteria: Invitae Variant Classification Sherloc (09022015). Collection method: clinical testing. Allele origin: germline. Not counted in ClinVar's aggregate classification.
Comment: ClinVar contains an entry for this variant (Variation ID: 266427). For these reasons, this variant has been classified as Pathogenic. Algorithms developed to predict the effect of sequence changes on RNA splicing suggest that this variant may create or strengthen a splice site. This variant has not been reported in the literature in individuals affected with BRCA1-related conditions. This variant is not present in population databases (ExAC no frequency). This sequence change creates a premature translational stop signal (p.Gly1332Valfs*2) in the BRCA1 gene. It is expected to result in an absent or disrupted protein product. Loss-of-function variants in BRCA1 are known to be pathogenic (PMID: 20104584).

Ambry Genetics
Classification: Pathogenic for Hereditary cancer-predisposing syndrome. Last evaluated: 2017-04-13. Review status: criteria provided, single submitter. Criteria: Ambry Variant Classification Scheme 2023. Collection method: clinical testing. Allele origin: germline. Not counted in ClinVar's aggregate classification.
Comment: The c.3995_4001delGAGTTGG pathogenic mutation, located in coding exon 9 of the BRCA1 gene, results from a deletion of 7 nucleotides at nucleotide positions 3995 to 4001, causing a translational frameshift with a predicted alternate stop codon (p.G1332Vfs*2). This alteration is expected to result in loss of function by premature protein truncation or nonsense-mediated mRNA decay. As such, this alteration is interpreted as a disease-causing mutation.

Consortium of Investigators of Modifiers of BRCA1/2 (CIMBA), c/o University of Cambridge
Classification: Pathogenic for Breast-ovarian cancer, familial, susceptibility to, 1. Last evaluated: 2015-10-02. Review status: criteria provided, single submitter. Criteria: CIMBA Mutation Classification guidelines May 2016. Collection method: clinical testing. Allele origin: germline. Not counted in ClinVar's aggregate classification.

BRCAlab, Lund University
Classification: Pathogenic for Breast-ovarian cancer, familial, susceptibility to, 1. Last evaluated: 2020-03-02. Review status: no assertion criteria provided. Collection method: clinical testing. Allele origin: germline. Affected: yes. Not counted in ClinVar's aggregate classification.

Literature cited by the submitters: PubMed 20104584 (cited by Labcorp Genetics (formerly Invitae), Labcorp).

NM_007294.4(BRCA1):c.3995_4001del (p.Gly1332fs)

Genes: BRCA1 (BRCA1 DNA repair associated; minus strand), LOC126862571 (BRD4-independent group 4 enhancer GRCh37_chr17:41243136-41244335; plus strand). Cytogenetic location: 17q21.31.
Variant type: Deletion.
Coding change: c.3995_4001del on transcript NM_007294.4 (MANE Select); coding-DNA positions 3995 to 4001, 7 bases deleted (GAGTTGG; older notation c.3995_4001delGAGTTGG).
Protein change: p.Gly1332fs; shifts the reading frame from glycine 1332.
Molecular consequence: frameshift variant. On other transcripts: intron variant (135).
Genome position (GRCh38, 1-based): chr17:43,091,530-43,091,536, CCAACTC deleted on the plus strand (GAGTTGG on the coding strand, the reverse complement: BRCA1 is on the minus strand); deleting any 7 consecutive bases within chr17:43,091,530-43,091,538 gives the same sequence; the c. name uses the placement nearest the transcript's 3' end. VCF-style (leftmost placement, unchanged base first): chr17-43091529-ACCAACTC-A. GRCh37 (hg19) VCF-style: chr17-41243546-ACCAACTC-A.
Other names: 4114del7; c.3995_4001delGAGTTGG (NM_007294.3); c.3782_3788del, p.Gly1261fs (NM_001407571.1, NM_001407853.1, NM_001407894.1 and 9 more transcripts); c.3995_4001del, p.Gly1332fs (NM_001407581.1, NM_001407582.1, NM_001407583.1 and 30 more transcripts); c.3992_3998del, p.Gly1331fs (NM_001407587.1, NM_001407590.1, NM_001407591.1 and 22 more transcripts); c.3986_3992del, p.Gly1329fs (NM_001407646.1, NM_001407647.1); c.3872_3878del, p.Gly1291fs (NM_001407648.1, NM_001407664.1, NM_001407665.1 and 19 more transcripts); c.3869_3875del, p.Gly1290fs (NM_001407649.1, NM_001407670.1, NM_001407671.1 and 11 more transcripts); and 43 more; short protein forms G1332fs, G1285fs, G1220fs, G1221fs, G1243fs, G1244fs, G1261fs, G1291fs.
Identifiers: ClinVar variation 266427 (VCV000266427.15), dbSNP rs886040185, ClinGen allele CA10589704.
Genomic context (GRCh38, chr17:43,091,529, plus strand): 5'-ATTTTCTTCCAAGCCCGTTCCTCTTTCTTCATCATCTGAAACCAATTCCTTGTCACTCAG[ACCAACTC>A]CCTGGCTTTCAGACTGATGCCTCATTTGTTTGGAAGAACCAATCAAGAAAGGATCCTGGG-3'